The following is an entry in ClinVar:

NM_003002.4(SDHD):c.-8G>A

Genes: SDHD (succinate dehydrogenase complex subunit D; plus strand), LOC126861339 (BRD4-independent group 4 enhancer GRCh37_chr11:111957035-111958234; plus strand). Cytogenetic location: 11q23.1.
Variant type: single nucleotide variant.
Coding change: c.-8G>A on transcript NM_003002.4 (MANE Select); 8 bases upstream of the start codon, G replaced by A.
Molecular consequence: 5 prime UTR variant. On other transcripts: non-coding transcript variant (1).
Genome position (GRCh38, 1-based): chr11:112,086,900, G>A. VCF-style: chr11-112086900-G-A. GRCh37 (hg19) VCF-style: chr11-111957624-G-A.
Other names: c.-8G>A (NM_001276503.2, NM_001276504.2, NM_001276506.2).
Identifiers: ClinVar variation 3032176 (VCV003032176.3), dbSNP rs375890857, ClinGen allele CA071583.
Genomic context (GRCh38, chr11:112,086,900, plus strand): 5'-GTCGTGGGTGGGAATTGTCGCCTAAGTGGTTCCGGGTTGGTGGATGACCTTGAGCCCTCA[G>A]GAACGAGATGGCGGTTCTCTGGAGGCTGAGTGCCGTTTGCGGTGCCCTAGGAGGCCGAGG-3'

ClinVar aggregate classification (germline): Uncertain significance. Review status: criteria provided, single submitter (1 of 4 stars). 2 submissions from 2 submitters: Uncertain significance (1). 1 of the submissions does not count toward it. Last evaluated 2025-07-14.

Conditions:
SDHD-related disorder. Also called: SDHD-related condition.
Hereditary pheochromocytoma and paraganglioma. Also called: Hereditary paragangliomas and pheochromocytomas; Hereditary Paraganglioma-Pheochromocytoma Syndromes; Hereditary pheochromocytoma-paraganglioma. Identifiers: Orphanet 29072, MedGen C4274332, MONDO:0017366.

Allele frequency attached by ClinVar (database versions not stated): gnomAD exomes below 0.00001; gnomAD 0.00001; TOPMed 0.00001; ExAC 0.00002; ESP Exome Variant Server 0.00008.
gnomAD v4.1: 8 of 1,614,124 alleles (0.0005%); highest among the groups gnomAD compares: South Asian, 0.0011%; no homozygotes.

Submissions (2):

Color Diagnostics, LLC DBA Color Health
Classification: Uncertain significance for Hereditary pheochromocytoma and paraganglioma. Last evaluated: 2025-07-14. Review status: criteria provided, single submitter. Criteria: ACMG Guidelines, 2015. Collection method: clinical testing. Allele origin: germline.
Comment: This variant causes a G to A nucleotide substitution at the -8 position in the 5' untranslated region of the SDHD gene. To our knowledge, functional studies have not been reported for this variant. This variant has not been reported in individuals affected with SDHD-related disorders in the literature. This variant has been identified in 2/251428 chromosomes in the general population by the Genome Aggregation Database (gnomAD). The available evidence is insufficient to determine the role of this variant in disease conclusively. Therefore, this variant is classified as a Variant of Uncertain Significance.

PreventionGenetics, part of Exact Sciences
Classification: Likely benign for SDHD-related condition. Last evaluated: 2020-10-05. Review status: no assertion criteria provided. Collection method: clinical testing. Allele origin: germline. Not counted in ClinVar's aggregate classification.
Comment: This variant is classified as likely benign based on ACMG/AMP sequence variant interpretation guidelines (Richards et al. 2015 PMID: 25741868, with internal and published modifications).